The following is an entry in ClinVar:

ClinVar aggregate classification (germline): Likely benign. Review status: criteria provided, multiple submitters, no conflicts (2 of 4 stars). 5 submissions from 5 submitters: Likely benign (5). Last evaluated 2026-04-01.

Conditions:
Achondrogenesis type II (ACG2). Also called: ACHONDROGENESIS, LANGER-SALDINO TYPE; CHONDROGENESIS IMPERFECTA. Identifiers: Orphanet 932, Orphanet 93296, MedGen C0220685, MONDO:0008702, OMIM 200610.
Avascular necrosis of femoral head, primary, 1 (ANFH1). Also called: Avascular necrosis of femoral head, primary. Identifiers: Orphanet 86820, MedGen C4551562, MONDO:0054550, OMIM 608805.
Namaqualand hip dysplasia (OSCDP). Also called: Mild spondyloepiphyseal dysplasia due to COL2A1 mutation with early-onset osteoarthritis. Identifiers: Orphanet 93279, MedGen C0432214, MONDO:0011496, OMIM 604864.
Spondylometaphyseal dysplasia - Sutcliffe type. Also called: Sutcliffe type of spondylometaphyseal dysplasia; Sutcliffe SMD; Spondylometaphyseal dysplasia, 'corner fracture' type; Spondylometaphyseal Dysplasia, Corner Fracture Type. Identifiers: Orphanet 93315, MedGen C0432221, MONDO:0008479, OMIM 184255.
Legg-Calve-Perthes disease. Also called: Osteochondritis deformans; Coxa plana; PERTHES DISEASE; Avascular necrosis of the capital femoral epiphysis. Identifiers: Orphanet 2380, MedGen C1442965, MONDO:0007885, OMIM 150600, HP:0005743.
Spondyloperipheral dysplasia. Also called: SPONDYLOPERIPHERAL DYSPLASIA WITH SHORT ULNA; Spondyloperipheral dysplasia-short ulna syndrome. Identifiers: Orphanet 1856, MedGen C0796173, MONDO:0010078, OMIM 271700.
Spondyloepiphyseal dysplasia with metatarsal shortening. Also called: Pseudorheumatoid dysplasia progressive, with hypoplastic toes; CZECH DYSPLASIA, METATARSAL TYPE; SPONDYLOEPIPHYSEAL DYSPLASIA WITH PRECOCIOUS OSTEOARTHRITIS. Identifiers: Orphanet 137678, MedGen C1836683, MONDO:0012206, OMIM 609162.
Stickler syndrome, type I, nonsyndromic ocular. Also called: STICKLER SYNDROME, ATYPICAL; STICKLER SYNDROME, TYPE I, PREDOMINANTLY OCULAR. Identifiers: MedGen C1836080, MONDO:0012287, OMIM 609508.
Multiple epiphyseal dysplasia, Beighton type. Identifiers: Orphanet 166011, MedGen C1851536, MONDO:0007562, OMIM 132450.
Kniest dysplasia. Identifiers: Orphanet 485, MedGen C0265279, MONDO:0007987, OMIM 156550.
Stickler syndrome type 1 (STL1). Also called: COL2A1-Related Stickler Syndrome; STICKLER SYNDROME, MEMBRANOUS VITREOUS TYPE; STICKLER SYNDROME, VITREOUS TYPE 1; ARTHROOPHTHALMOPATHY, HEREDITARY PROGRESSIVE. Identifiers: Orphanet 828, Orphanet 90653, MedGen C2020284, MONDO:0007160, OMIM 108300.
Platyspondylic dysplasia, Torrance type (PLSDT). Identifiers: Orphanet 85166, MedGen C1835437, MONDO:0007895, OMIM 151210.
Spondyloepiphyseal dysplasia congenita (SEDC). Also called: SED CONGENITA; SPONDYLOEPIPHYSEAL DYSPLASIA, CONGENITAL TYPE. Identifiers: Orphanet 94068, MedGen C2745959, MONDO:0008471, OMIM 183900.
Spondyloepiphyseal dysplasia, Stanescu type. Also called: SED, STANESCU TYPE; SPONDYLOEPIMETAPHYSEAL DYSPLASIA, STANESCU TYPE. Identifiers: Orphanet 459051, MedGen C4225273, MONDO:0014701, OMIM 616583.
Vitreoretinopathy with phalangeal epiphyseal dysplasia (VPED). Identifiers: MedGen C1852989, MONDO:0031001, OMIM 619248.
Spondyloepimetaphyseal dysplasia, Strudwick type (SEMDSTWK). Also called: STRUDWICK SYNDROME; DAPPLED METAPHYSIS SYNDROME. Identifiers: Orphanet 93346, MedGen C0700635, MONDO:0008476, OMIM 184250.

Allele frequency attached by ClinVar (database versions not stated): ESP Exome Variant Server 0.00008; 1000 Genomes Project 30x 0.00016; 1000 Genomes Project 0.00020; gnomAD exomes 0.00003 and 0.00006; ExAC 0.00004.
gnomAD v4.1: 69 of 1,613,476 alleles (0.0043%); highest among the groups gnomAD compares: African/African-American, 0.047%; no homozygotes.

Submissions (5):

CeGaT Center for Human Genetics Tuebingen
Classification: Likely benign. Last evaluated: 2026-04-01. Review status: criteria provided, single submitter. Criteria: CeGaT Center For Human Genetics Tuebingen Variant Classification Criteria Version 2. Collection method: clinical testing. Allele origin: germline. Affected: yes. Observed: 2 variant alleles.
Comment: COL2A1: BP4, BP7

Labcorp Genetics (formerly Invitae), Labcorp
Classification: Likely benign. Last evaluated: 2026-01-01. Review status: criteria provided, single submitter. Criteria: Invitae Variant Classification Sherloc (09022015). Collection method: clinical testing. Allele origin: germline.

Blueprint Genetics
Classification: Likely benign. Last evaluated: 2023-09-20. Review status: criteria provided, single submitter. Criteria: ACMG Guidelines, 2015. Collection method: clinical testing. Allele origin: germline.

Fulgent Genetics
Classification: Likely benign for Stickler syndrome type 1; Multiple epiphyseal dysplasia, Beighton type; Legg-Calve-Perthes disease; Platyspondylic dysplasia, Torrance type; Kniest dysplasia; Spondyloepiphyseal dysplasia congenita; Spondyloepimetaphyseal dysplasia, Strudwick type; Spondylometaphyseal dysplasia - Sutcliffe type; Achondrogenesis type II; Spondyloperipheral dysplasia; Namaqualand hip dysplasia; Avascular necrosis of femoral head, primary, 1; Spondyloepiphyseal dysplasia with metatarsal shortening; Stickler syndrome, type I, nonsyndromic ocular; Spondyloepiphyseal dysplasia, Stanescu type; Vitreoretinopathy with phalangeal epiphyseal dysplasia. Last evaluated: 2021-08-04. Review status: criteria provided, single submitter. Criteria: ACMG Guidelines, 2015. Collection method: clinical testing. Allele origin: unknown.

GeneDx
Classification: Likely benign. Last evaluated: 2021-06-14. Review status: criteria provided, single submitter. Criteria: GeneDx Variant Classification Process June 2021. Collection method: clinical testing. Allele origin: germline. Affected: yes.

NM_001844.5(COL2A1):c.2886C>T (p.Asp962=)

Gene: COL2A1 (collagen type II alpha 1 chain; minus strand). Cytogenetic location: 12q13.11.
Variant type: single nucleotide variant.
Coding change: c.2886C>T on transcript NM_001844.5 (MANE Select); coding-DNA position 2886, C replaced by T.
Protein change: p.Asp962=; no amino-acid change (aspartic acid 962 retained).
Molecular consequence: synonymous variant.
Genome position (GRCh38, 1-based): chr12:47,978,606, G>A on the plus strand (C>T on the coding strand, the complement: COL2A1 is on the minus strand). VCF-style: chr12-47978606-G-A. GRCh37 (hg19) VCF-style: chr12-48372389-G-A.
Other names: c.2679C>T, p.Asp893= (NM_033150.3).
Identifiers: ClinVar variation 1110328 (VCV001110328.17), dbSNP rs150951022, ClinGen allele CA6534969.